The following is an entry in ClinVar:

ClinVar aggregate classification (germline): Uncertain significance (1 of 4 stars; one submission).

Conditions:
Hereditary cancer-predisposing syndrome. Also called: Neoplastic Syndromes, Hereditary; Tumor predisposition; Hereditary Cancer Syndrome; Hereditary neoplastic syndrome. Identifiers: Orphanet 140162, MedGen C0027672, MeSH D009386, MONDO:0015356.

Submission:

Ambry Genetics
Classification: Uncertain significance for Hereditary cancer-predisposing syndrome. Last evaluated: 2026-05-26. Review status: criteria provided, single submitter. Criteria: Ambry Variant Classification Scheme 2023. Collection method: clinical testing. Allele origin: germline.
Comment: The p.T1267S variant (also known as c.3800C>G), located in coding exon 15 of the APC gene, results from a C to G substitution at nucleotide position 3800. The threonine at codon 1267 is replaced by serine, an amino acid with similar properties. This amino acid position is conserved. In addition, in silico predictors for this gene do not accurately predict pathogenicity. Based on the available evidence, the clinical significance of this variant remains unclear.

NM_000038.6(APC):c.3800C>G (p.Thr1267Ser)

Gene: APC (APC regulator of Wnt signaling pathway; plus strand). Cytogenetic location: 5q22.2.
Variant type: single nucleotide variant.
Coding change: c.3800C>G on transcript NM_000038.6 (MANE Select); coding-DNA position 3800, C replaced by G.
Protein change: p.Thr1267Ser; replaces threonine 1267 with serine.
Molecular consequence: missense variant. On other transcripts: non-coding transcript variant (2).
Genome position (GRCh38, 1-based): chr5:112,839,394, C>G. VCF-style: chr5-112839394-C-G. GRCh37 (hg19) VCF-style: chr5-112175091-C-G.
Other names: c.3677C>G, p.Thr1226Ser (NM_001354900.2); c.3623C>G, p.Thr1208Ser (NM_001354901.2, NM_001407453.1); c.3527C>G, p.Thr1176Ser (NM_001354902.2); c.3497C>G, p.Thr1166Ser (NM_001354903.2, NM_001407458.1, NM_001407459.1 and 1 more transcripts); c.3422C>G, p.Thr1141Ser (NM_001354904.2); c.3320C>G, p.Thr1107Ser (NM_001354905.2); c.2951C>G, p.Thr984Ser (NM_001354906.2, NM_001407470.1); c.3884C>G, p.Thr1295Ser (NM_001407446.1); and 11 more; short protein forms T1107S, T1138S, T1141S, T1166S, T1176S, T1184S, T1208S, T1226S.
Identifiers: ClinVar variation 4861857 (VCV004861857.1).